The following is an entry in ClinVar:

ClinVar aggregate classification (germline): Uncertain significance. Review status: criteria provided, multiple submitters, no conflicts (2 of 4 stars). 2 submissions from 2 submitters: Uncertain significance (2). Last evaluated 2025-10-22.

Conditions:
TTC7A-related disorder. Also called: TTC7A-related condition.
Multiple gastrointestinal atresias. Also called: FAMILIAL INTESTINAL POLYATRESIA SYNDROME; Multiple intestinal atresia. Identifiers: Orphanet 2300, MedGen C0220744, MONDO:0009465.

Allele frequency attached by ClinVar (database versions not stated): ExAC 0.00001; gnomAD exomes 0.00001 and 0.00002; TOPMed 0.00001.
gnomAD v4.1: 28 of 1,614,098 alleles (0.0017%); highest among the groups gnomAD compares: Admixed American, 0.0067%; no homozygotes.

Submissions (2):

PreventionGenetics, part of Exact Sciences
Classification: Uncertain significance for TTC7A-related condition. Last evaluated: 2025-10-22. Review status: criteria provided, single submitter. Criteria: ACMG Guidelines, 2015. Collection method: clinical testing. Allele origin: germline.
Comment: The TTC7A c.1945G>A variant is predicted to result in the amino acid substitution p.Gly649Ser. To our knowledge, this variant has not been reported in the literature. This variant is reported in 0.0033% of alleles in individuals of South Asian descent in gnomAD. At this time, the clinical significance of this variant is uncertain due to the absence of conclusive functional and genetic evidence.

Labcorp Genetics (formerly Invitae), Labcorp
Classification: Uncertain significance for Multiple gastrointestinal atresias. Last evaluated: 2021-08-20. Review status: criteria provided, single submitter. Criteria: Invitae Variant Classification Sherloc (09022015). Collection method: clinical testing. Allele origin: germline.

NM_020458.4(TTC7A):c.1945G>A (p.Gly649Ser)

Gene: TTC7A (tetratricopeptide repeat domain 7A; plus strand). Cytogenetic location: 2p21.
Variant type: single nucleotide variant.
Coding change: c.1945G>A on transcript NM_020458.4 (MANE Select); coding-DNA position 1945, G replaced by A.
Protein change: p.Gly649Ser; replaces glycine 649 with serine.
Molecular consequence: missense variant.
Genome position (GRCh38, 1-based): chr2:47,049,974, G>A. VCF-style: chr2-47049974-G-A. GRCh37 (hg19) VCF-style: chr2-47277113-G-A.
Other names: c.2017G>A, p.Gly673Ser (NM_001288951.2); c.1843G>A, p.Gly615Ser (NM_001288953.2); c.883G>A, p.Gly295Ser (NM_001288955.2); short protein forms G673S, G295S, G649S, G615S.
Identifiers: ClinVar variation 863581 (VCV000863581.6), dbSNP rs751063430, ClinGen allele CA1647947.